The following is an entry in ClinVar:

NM_001111.5(ADAR):c.566C>T (p.Ala189Val)

Gene: ADAR (adenosine deaminase RNA specific; minus strand). Cytogenetic location: 1q21.3.
Variant type: single nucleotide variant.
Coding change: c.566C>T on transcript NM_001111.5 (MANE Select); coding-DNA position 566, C replaced by T.
Protein change: p.Ala189Val; replaces alanine 189 with valine.
Molecular consequence: missense variant. On other transcripts: 5 prime UTR variant (6).
Genome position (GRCh38, 1-based): chr1:154,602,076, G>A on the plus strand (C>T on the coding strand, the complement: ADAR is on the minus strand). VCF-style: chr1-154602076-G-A. GRCh37 (hg19) VCF-style: chr1-154574552-G-A.
Other names: c.-320C>T (NM_001025107.3, NM_001193495.2, NM_001365046.1 and 3 more transcripts); c.593C>T, p.Ala198Val (NM_001365045.1); c.566C>T, p.Ala189Val (NM_015840.4, NM_015841.4); short protein forms A198V, A189V.
Identifiers: ClinVar variation 1359709 (VCV001359709.6), dbSNP rs182793061, ClinGen allele CA30810610.

ClinVar aggregate classification (germline): Uncertain significance (1 of 4 stars; one submission).

Conditions:
Symmetrical dyschromatosis of extremities (DSH). Also called: DYSCHROMATOSIS SYMMETRICA HEREDITARIA 1; RETICULATE ACROPIGMENTATION OF DOHI; SYMMETRIC DYSCHROMATOSIS OF THE EXTREMITIES; Dyschromatosis symmetrica hereditaria. Identifiers: Orphanet 41, MedGen C0406775, MONDO:0007483, OMIM 127400.
Aicardi-Goutieres syndrome 6 (AGS6). Identifiers: Orphanet 51, MedGen C3539013, MONDO:0014007, OMIM 615010.

Allele frequency attached by ClinVar (database versions not stated): gnomAD 0.00002 and 0.00003; TOPMed 0.00002; 1000 Genomes Project 30x 0.00016; 1000 Genomes Project 0.00020; gnomAD exomes 0.00001 and below 0.00001.
gnomAD v4.1: 8 of 1,614,230 alleles (0.0005%); highest among the groups gnomAD compares: Admixed American, 0.0083%; no homozygotes.

Submission:

Labcorp Genetics (formerly Invitae), Labcorp
Classification: Uncertain significance for Aicardi-Goutieres syndrome 6; Symmetrical dyschromatosis of extremities. Last evaluated: 2025-12-16. Review status: criteria provided, single submitter. Criteria: Invitae Variant Classification Sherloc (09022015). Collection method: clinical testing. Allele origin: germline.
Comment: This sequence change replaces alanine, which is neutral and non-polar, with valine, which is neutral and non-polar, at codon 189 of the ADAR protein (p.Ala189Val). This variant is present in population databases (rs182793061, gnomAD 0.006%). This variant has not been reported in the literature in individuals affected with ADAR-related conditions. ClinVar contains an entry for this variant (Variation ID: 1359709). An algorithm developed to predict the effect of missense changes on protein structure and function outputs the following: PolyPhen-2: "Benign". The valine amino acid residue is found in multiple mammalian species, which suggests that this missense change does not adversely affect protein function. Algorithms developed to predict the effect of sequence changes on RNA splicing suggest that this variant may create or strengthen a splice site. In summary, the available evidence is currently insufficient to determine the role of this variant in disease. Therefore, it has been classified as a Variant of Uncertain Significance.